The following is an entry in ClinVar:

ClinVar aggregate classification (germline): Uncertain significance (1 of 4 stars; one submission).

Conditions:
Autosomal recessive Alport syndrome (ATS2). Also called: COL4A4 Alport Syndrome and Thin Basement Membrane Nephropathy; ALPORT SYNDROME 2, AUTOSOMAL RECESSIVE; Alport syndrome type 2; COL4A3-Related Nephropathy. Identifiers: Orphanet 63, Orphanet 88919, MedGen C4746745, MONDO:0008762, OMIM 203780.

gnomAD v4.1: 4 of 1,614,168 alleles (0.00025%); highest among the groups gnomAD compares: South Asian, 0.0011%; no homozygotes.

Submission:

MVZ Medizinische Genetik Mainz
Classification: Uncertain significance for Autosomal recessive Alport syndrome. Last evaluated: 2024-09-02. Review status: criteria provided, single submitter. Criteria: UK Practice Guidelines For Variant Classification V4 01 2020. Collection method: clinical testing. Allele origin: germline. Inheritance: Autosomal dominant inheritance. Affected: yes. Observed: 1 variant allele.
Comment: ACMG Criteria: PM2_SUP,PP3

NM_000092.5(COL4A4):c.4630G>C (p.Ala1544Pro)

Gene: COL4A4 (collagen type IV alpha 4 chain; minus strand). Cytogenetic location: 2q36.3.
Variant type: single nucleotide variant.
Coding change: c.4630G>C on transcript NM_000092.5 (MANE Select); coding-DNA position 4630, G replaced by C.
Protein change: p.Ala1544Pro; replaces alanine 1544 with proline.
Molecular consequence: missense variant.
Genome position (GRCh38, 1-based): chr2:227,008,197, C>G on the plus strand (G>C on the coding strand, the complement: COL4A4 is on the minus strand). VCF-style: chr2-227008197-C-G. GRCh37 (hg19) VCF-style: chr2-227872913-C-G.
Other names: short protein forms A1544P.
Identifiers: ClinVar variation 3342268 (VCV003342268.1).